The following is an entry in ClinVar:

NM_003238.6(TGFB2):c.755-14T>G

Gene: TGFB2 (transforming growth factor beta 2; plus strand). Cytogenetic location: 1q41.
Variant type: single nucleotide variant.
Coding change: c.755-14T>G on transcript NM_003238.6 (MANE Select); 14 bases into the intron before coding-DNA position 755, T replaced by G.
Molecular consequence: intron variant.
Genome position (GRCh38, 1-based): chr1:218,435,956, T>G. VCF-style: chr1-218435956-T-G. GRCh37 (hg19) VCF-style: chr1-218609298-T-G.
Other names: c.839-14T>G (NM_001135599.4).
Identifiers: ClinVar variation 4739171 (VCV004739171.1).
Genomic context (GRCh38, chr1:218,435,956, plus strand): 5'-AGGAAAAAAATATGGCTGACTATATTTGATGAAGGTGAAGCTAAATGTTTATTACCCAAA[T>G]GCATTTTTTCAAGGTATTGATGGCACCTCCACATATACCAGTGGTGATCAGAAAACTATA-3'

ClinVar aggregate classification (germline): Uncertain significance (1 of 4 stars; one submission).

Conditions:
Loeys-Dietz syndrome 4 (LDS4). Also called: ANEURYSM, AORTIC AND CEREBRAL, WITH ARTERIAL TORTUOSITY AND SKELETAL MANIFESTATIONS; TGFB2-Related Loeys-Dietz Syndrome. Identifiers: MedGen C3553762, MONDO:0013897, OMIM 614816.

Submission:

Labcorp Genetics (formerly Invitae), Labcorp
Classification: Uncertain significance for Loeys-Dietz syndrome 4. Last evaluated: 2025-04-29. Review status: criteria provided, single submitter. Criteria: Invitae Variant Classification Sherloc (09022015). Collection method: clinical testing. Allele origin: germline.
Comment: This sequence change falls in intron 4 of the TGFB2 gene. It does not directly change the encoded amino acid sequence of the TGFB2 protein. This variant is not present in population databases (gnomAD no frequency). This variant has not been reported in the literature in individuals affected with TGFB2-related conditions. Algorithms developed to predict the effect of sequence changes on RNA splicing suggest that this variant may disrupt the consensus splice site. In summary, the available evidence is currently insufficient to determine the role of this variant in disease. Therefore, it has been classified as a Variant of Uncertain Significance.